The following is an entry in ClinVar:

ClinVar aggregate classification (germline): Uncertain significance (1 of 4 stars; one submission).

Conditions:
Charcot-Marie-Tooth disease dominant intermediate B (CMTDIB). Also called: Charcot-Marie-Tooth disease dominant intermediate 1; CMT DI1; Charcot-Marie-Tooth disease dominant intermediate I; CHARCOT-MARIE-TOOTH NEUROPATHY, DOMINANT INTERMEDIATE B. Identifiers: Orphanet 100044, Orphanet 228179, MedGen C1847902, MONDO:0011674, OMIM 606482.

Submission:

Labcorp Genetics (formerly Invitae), Labcorp
Classification: Uncertain significance for Charcot-Marie-Tooth disease dominant intermediate B. Last evaluated: 2022-06-22. Review status: criteria provided, single submitter. Criteria: Invitae Variant Classification Sherloc (09022015). Collection method: clinical testing. Allele origin: germline.
Comment: In summary, the available evidence is currently insufficient to determine the role of this variant in disease. Therefore, it has been classified as a Variant of Uncertain Significance. This variant has not been reported in the literature in individuals affected with DNM2-related conditions. This variant is not present in population databases (gnomAD no frequency). This sequence change creates a premature translational stop signal (p.Trp616*) in the DNM2 gene. It is expected to result in an absent or disrupted protein product. However, the current clinical and genetic evidence is not sufficient to establish whether loss-of-function variants in DNM2 cause disease.

NM_001005361.3(DNM2):c.1847G>A (p.Trp616Ter)

Gene: DNM2 (dynamin 2; plus strand). Cytogenetic location: 19p13.2.
Variant type: single nucleotide variant.
Coding change: c.1847G>A on transcript NM_001005361.3 (MANE Select); coding-DNA position 1847, G replaced by A.
Protein change: p.Trp616Ter; replaces tryptophan 616 with a stop codon.
Molecular consequence: nonsense.
Genome position (GRCh38, 1-based): chr19:10,823,853, G>A. VCF-style: chr19-10823853-G-A. GRCh37 (hg19) VCF-style: chr19-10934529-G-A.
Other names: c.1847G>A, p.Trp616Ter (NM_001005360.3, NM_001190716.2); c.1835G>A, p.Trp612Ter (NM_001005362.3, NM_004945.4); short protein forms W616*, W612*.
Identifiers: ClinVar variation 2008943 (VCV002008943.4), dbSNP rs2513348964, ClinGen allele CA404041055.